The following is an entry in ClinVar:

ClinVar aggregate classification (germline): Uncertain significance. Review status: criteria provided, multiple submitters, no conflicts (2 of 4 stars). 4 submissions from 4 submitters: Uncertain significance (3). 1 of the submissions does not count toward it. Last evaluated 2022-09-06.

Conditions:
Hereditary cancer-predisposing syndrome. Also called: Hereditary neoplastic syndrome; Neoplastic Syndromes, Hereditary; Tumor predisposition; Hereditary Cancer Syndrome. Identifiers: Orphanet 140162, MedGen C0027672, MeSH D009386, MONDO:0015356.
Fanconi anemia complementation group J. Also called: BRIP1-Related Fanconi Anemia. Identifiers: Orphanet 84, MedGen C1836860, MONDO:0012187, OMIM 609054.
Familial cancer of breast. Also called: BREAST CANCER, FAMILIAL; Hereditary breast cancer; hereditary breast carcinoma. Identifiers: Orphanet 227535, MedGen C0346153, MONDO:0016419, OMIM 114480. Disease mechanism: loss of function.

Submissions (4):

Color Diagnostics, LLC DBA Color Health
Classification: Uncertain significance for Hereditary cancer-predisposing syndrome. Last evaluated: 2022-09-06. Review status: criteria provided, single submitter. Criteria: ACMG Guidelines, 2015. Collection method: clinical testing. Allele origin: germline.
Comment: This missense variant replaces serine with cysteine at codon 1115 of the BRIP1 protein. Computational prediction suggests that this variant may not impact protein structure and function (internally defined REVEL score threshold <= 0.5, PMID: 27666373). To our knowledge, functional studies have not been reported for this variant. This variant has not been reported in individuals affected with hereditary cancer in the literature. This variant has not been identified in the general population by the Genome Aggregation Database (gnomAD). The available evidence is insufficient to determine the role of this variant in disease conclusively. Therefore, this variant is classified as a Variant of Uncertain Significance.

Labcorp Genetics (formerly Invitae), Labcorp
Classification: Uncertain significance for Familial cancer of breast; Fanconi anemia complementation group J. Last evaluated: 2017-11-21. Review status: criteria provided, single submitter. Criteria: Invitae Variant Classification Sherloc (09022015). Collection method: clinical testing. Allele origin: germline.
Comment: In summary, the available evidence is currently insufficient to determine the role of this variant in disease. Therefore, it has been classified as a Variant of Uncertain Significance. Algorithms developed to predict the effect of missense changes on protein structure and function do not agree on the potential impact of this missense change (SIFT: "Deleterious"; PolyPhen-2: "Probably Damaging"; Align-GVGD: "Class C0"). This variant has not been reported in the literature in individuals with BRIP1-related disease. This variant is not present in population databases (ExAC no frequency). This sequence change replaces serine with cysteine at codon 1115 of the BRIP1 protein (p.Ser1115Cys). The serine residue is weakly conserved and there is a moderate physicochemical difference between serine and cysteine.

Ambry Genetics
Classification: Uncertain significance for Hereditary cancer-predisposing syndrome. Last evaluated: 2017-08-14. Review status: criteria provided, single submitter. Criteria: Ambry Variant Classification Scheme 2023. Collection method: clinical testing. Allele origin: germline.
Comment: The p.S1115C variant (also known as c.3344C>G), located in coding exon 19 of the BRIP1 gene, results from a C to G substitution at nucleotide position 3344. The serine at codon 1115 is replaced by cysteine, an amino acid with dissimilar properties. This amino acid position is well conserved in available vertebrate species. In addition, this alteration is predicted to be tolerated by in silico analysis. Since supporting evidence is limited at this time, the clinical significance of this alteration remains unclear.

Leiden Open Variation Database
Classification: Uncertain significance. Last evaluated: 2019-08-13. Review status: no assertion criteria provided. Collection method: curation. Allele origin: germline. Affected: yes. Not counted in ClinVar's aggregate classification.
Comment: Curator: Arleen D. Auerbach. Submitter to LOVD: Yukihide Momozawa.

Literature cited by the submitters: PubMed 31214711 (cited by Leiden Open Variation Database).

NM_032043.3(BRIP1):c.3344C>G (p.Ser1115Cys)

Gene: BRIP1 (BRCA1 interacting DNA helicase 1; minus strand). Cytogenetic location: 17q23.2.
Variant type: single nucleotide variant.
Coding change: c.3344C>G on transcript NM_032043.3 (MANE Select); coding-DNA position 3344, C replaced by G.
Protein change: p.Ser1115Cys; replaces serine 1115 with cysteine.
Molecular consequence: missense variant.
Genome position (GRCh38, 1-based): chr17:61,683,702, G>C on the plus strand (C>G on the coding strand, the complement: BRIP1 is on the minus strand). VCF-style: chr17-61683702-G-C. GRCh37 (hg19) VCF-style: chr17-59761063-G-C.
Other names: short protein forms S1115C.
Identifiers: ClinVar variation 483208 (VCV000483208.17), dbSNP rs1419933310, ClinGen allele CA400478933.